The following is an entry in ClinVar:

NM_001378615.1(CC2D2A):c.2398A>G (p.Lys800Glu)

Genes: FBXL5 (F-box and leucine rich repeat protein 5; minus strand), CC2D2A (coiled-coil and C2 domain containing 2A; plus strand). Cytogenetic location: 4p15.32.
Variant type: single nucleotide variant.
Coding change: c.2398A>G on transcript NM_001378615.1 (MANE Select); coding-DNA position 2398, A replaced by G.
Protein change: p.Lys800Glu; replaces lysine 800 with glutamic acid.
Molecular consequence: missense variant.
Genome position (GRCh38, 1-based): chr4:15,553,217, A>G. VCF-style: chr4-15553217-A-G. GRCh37 (hg19) VCF-style: chr4-15554840-A-G.
Other names: c.2398A>G, p.Lys800Glu (NM_001080522.2); c.2251A>G, p.Lys751Glu (NM_001378617.1); short protein forms K751E, K800E.
Identifiers: ClinVar variation 2076173 (VCV002076173.2), dbSNP rs751256652, ClinGen allele CA2863910.

ClinVar aggregate classification (germline): Uncertain significance. Review status: criteria provided, multiple submitters, no conflicts (2 of 4 stars). 2 submissions from 2 submitters: Uncertain significance (2). Last evaluated 2025-12-29.

Conditions:
CC2D2A-related disorder. Also called: CC2D2A-related condition; CC2D2A-related disorders. Identifiers: MedGen CN239313.
Joubert syndrome. Also called: JOUBERT-BOLTSHAUSER SYNDROME; Familial aplasia of the vermis. Identifiers: Orphanet 475, MedGen C5979921, MONDO:0018772.
Meckel-Gruber syndrome. Also called: DYSENCEPHALIA SPLANCHNOCYSTICA; GRUBER SYNDROME; Dysencephalia splachnocystica. Identifiers: Orphanet 564, MedGen C0265215, MONDO:0018921.

Allele frequency attached by ClinVar (database versions not stated): ExAC 0.00001; gnomAD exomes 0.00001.
gnomAD v4.1: 7 of 1,612,246 alleles (0.00043%); highest among the groups gnomAD compares: Admixed American, 0.0067%; no homozygotes.

Submissions (2):

PreventionGenetics, part of Exact Sciences
Classification: Uncertain significance for CC2D2A-related condition. Last evaluated: 2025-12-29. Review status: criteria provided, single submitter. Criteria: ACMG Guidelines, 2015. Collection method: clinical testing. Allele origin: germline.
Comment: The CC2D2A c.2398A>G variant is predicted to result in the amino acid substitution p.Lys800Glu. This variant was observed in homozygous state in an individual with Meckel-Gruber syndrome (Mougou-Zerelli et al. 2009. PubMed ID: 19777577); of note this individual was also homozygous for p.Pro721Ser variant in CC2D2A gene, which is however too frequent in the general population database gnomAD to be causative. This variant is reported in 0.0089% of alleles in individuals of Latino descent in gnomAD. At this time, the clinical significance of this variant is uncertain due to the absence of conclusive functional and genetic evidence.

Labcorp Genetics (formerly Invitae), Labcorp
Classification: Uncertain significance for Joubert syndrome; Meckel-Gruber syndrome. Last evaluated: 2022-04-12. Review status: criteria provided, single submitter. Criteria: Invitae Variant Classification Sherloc (09022015). Collection method: clinical testing. Allele origin: germline.
Comment: This sequence change replaces lysine, which is basic and polar, with glutamic acid, which is acidic and polar, at codon 800 of the CC2D2A protein (p.Lys800Glu). This variant is present in population databases (rs751256652, gnomAD 0.009%). This missense change has been observed in individual(s) with Joubert syndrome (PMID: 19777577). Algorithms developed to predict the effect of missense changes on protein structure and function are either unavailable or do not agree on the potential impact of this missense change (SIFT: "Deleterious"; PolyPhen-2: "Benign"; Align-GVGD: "Class C0"). In summary, the available evidence is currently insufficient to determine the role of this variant in disease. Therefore, it has been classified as a Variant of Uncertain Significance.

Literature cited by the submitters: PubMed 19777577 (cited by Labcorp Genetics (formerly Invitae), Labcorp).